The following is an entry in ClinVar:

NM_000443.4(ABCB4):c.-19C>T

Genes: ABCB4 (ATP binding cassette subfamily B member 4; minus strand), LOC129998757 (ATAC-STARR-seq lymphoblastoid silent region 18348; plus strand). Cytogenetic location: 7q21.12.
Variant type: single nucleotide variant.
Coding change: c.-19C>T on transcript NM_000443.4 (MANE Select); 19 bases upstream of the start codon, C replaced by T.
Molecular consequence: 5 prime UTR variant.
Genome position (GRCh38, 1-based): chr7:87,475,646, G>A on the plus strand (C>T on the coding strand, the complement: ABCB4 is on the minus strand). VCF-style: chr7-87475646-G-A. GRCh37 (hg19) VCF-style: chr7-87104962-G-A.
Other names: c.-19C>T (NM_018849.3, NM_018850.3).
Identifiers: ClinVar variation 4846318 (VCV004846318.1).

ClinVar aggregate classification (germline): Uncertain significance (1 of 4 stars; one submission).

Conditions:
Familial intrahepatic cholestasis. Identifiers: Orphanet 284385, MedGen CN296401, MONDO:0017290.
Low phospholipid associated cholelithiasis (GBD1). Also called: Gallbladder disease 1; Gallstone cholecystitis. Identifiers: Orphanet 69663, MedGen C2609268, MONDO:0010939, OMIM 600803.

Submission:

Genomenon, Inc
Classification: Uncertain significance for Familial intrahepatic cholestasis; Low phospholipid associated cholelithiasis. Last evaluated: 2026-04-14. Review status: criteria provided, single submitter. Criteria: Genomenon Sequence Variant Interpretation Standards - Updated. Collection method: curation. Allele origin: germline. Affected: no.
Comment: ABCB4 c.-19C>T is a variant located in the 5′ untranslated region (5′ UTR). This variant has been reported in the published literature (PMID:30079523). It is absent or not present at a significant frequency in gnomAD. In conclusion, we classify ABCB4 c.-19C>T as a variant of uncertain significance.

Literature cited by the submitters: PubMed 30079523.